The following is an entry in ClinVar:

ClinVar aggregate classification (germline): Uncertain significance (1 of 4 stars; one submission).

Submission:

Labcorp Genetics (formerly Invitae), Labcorp
Classification: Uncertain significance. Last evaluated: 2024-10-27. Review status: criteria provided, single submitter. Criteria: Invitae Variant Classification Sherloc (09022015). Collection method: clinical testing. Allele origin: germline.
Comment: This sequence change replaces leucine, which is neutral and non-polar, with proline, which is neutral and non-polar, at codon 277 of the HSD3B2 protein (p.Leu277Pro). This variant is not present in population databases (gnomAD no frequency). This variant has not been reported in the literature in individuals affected with HSD3B2-related conditions. Invitae Evidence Modeling of protein sequence and biophysical properties (such as structural, functional, and spatial information, amino acid conservation, physicochemical variation, residue mobility, and thermodynamic stability) indicates that this missense variant is expected to disrupt HSD3B2 protein function with a positive predictive value of 80%. In summary, the available evidence is currently insufficient to determine the role of this variant in disease. Therefore, it has been classified as a Variant of Uncertain Significance.

NM_000198.4(HSD3B2):c.830T>C (p.Leu277Pro)

Gene: HSD3B2 (hydroxy-delta-5-steroid dehydrogenase, 3 beta- and steroid delta-isomerase 2; plus strand). Cytogenetic location: 1p12.
Variant type: single nucleotide variant.
Coding change: c.830T>C on transcript NM_000198.4 (MANE Select); coding-DNA position 830, T replaced by C.
Protein change: p.Leu277Pro; replaces leucine 277 with proline.
Molecular consequence: missense variant.
Genome position (GRCh38, 1-based): chr1:119,422,331, T>C. VCF-style: chr1-119422331-T-C. GRCh37 (hg19) VCF-style: chr1-119964954-T-C.
Other names: c.830T>C, p.Leu277Pro (NM_001166120.2); short protein forms L277P.
Identifiers: ClinVar variation 3621778 (VCV003621778.2).